The following continues an entry in ClinVar:

NM_000092.5(COL4A4):c.1223G>A (p.Gly408Glu)

Gene: COL4A4. ClinVar aggregate classification (germline): Conflicting classifications of pathogenicity. Pathogenic (3); Likely pathogenic (7); Uncertain significance (1).

Submissions 9 to 13 of 13:

Women's Health and Genetics/Laboratory Corporation of America, LabCorp
Classification: Likely pathogenic for Autosomal recessive Alport syndrome. Last evaluated: 2024-03-01. Review status: criteria provided, single submitter. Criteria: LabCorp Variant Classification Summary - May 2015. Collection method: clinical testing. Allele origin: germline.
Comment: Variant summary: COL4A4 c.1223G>A (p.Gly408Glu) results in a non-conservative amino acid change located in the Collagen triple helix repeat (IPR008160) of the encoded protein sequence. This missense variant disrupts a critical glycine residue at position 1 of a Gly-X-Y repeat in the collagenous domain of the collagen IV alpha 4 chain, and variants affecting these glycine residues are significantly enriched in individuals with Alport syndrome (PMID: 33854215). Five of five in-silico tools predict a damaging effect of the variant on protein function. The variant allele was found at a frequency of 2.4e-05 in 248574 control chromosomes. c.1223G>A has been reported at a heterozygous state in the literature in at-least one individual affected with Glomerulopathy (Groopman_2019). These data do not allow any conclusion about variant significance. To our knowledge, no experimental evidence demonstrating an impact on protein function has been reported. The following publication have been ascertained in the context of this evaluation (PMID: 30586318). ClinVar contains an entry for this variant (Variation ID: 562349). Based on the evidence outlined above, the variant was classified as likely pathogenic.

Division Of Personalized Genomic Medicine, Columbia University Irving Medical Center
Classification: Likely pathogenic for Autosomal recessive Alport syndrome. Last evaluated: 2019-11-11. Review status: criteria provided, single submitter. Criteria: ACMG Guidelines, 2015. Collection method: clinical testing. Allele origin: unknown. Inheritance: Autosomal dominant inheritance. Affected: yes. Observed: 1 heterozygote.
Comment: The c.1223G>A variant in the COL4A4 gene is a missense variant, which results in the substitution of the highly conserved glycine residue at the 408 position to glutamic acid (p.Gly408Glu). This variant localizes to coding exon 20 of the COL4A4 gene (48 exons total; NP_000083.3) and is within the triple helical domain of the protein. To the best of our knowledge, this specific variant has not been described to be associated with disease. However, glycine substitutions within the triple helical domain of this protein are a known mechanism of disease. In silico analysis predicts this change to be deleterious and damaging to the structure and/or function of the protein (probably damaging by PolyPhen2 and damaging by SIFT). This variant has been observed in the Genome Aggregation Database (gnomAD) at a very low frequency (6/248,574), indicating it is not a common benign variant in the populations represented in this database. Of note, allele frequency is higher among individuals of Ashkenazi Jewish descent (5/10,026). Based on the evidence presented, this variant is classified as likely pathogenic.

Athena Diagnostics
Classification: Likely pathogenic. Last evaluated: 2019-05-02. Review status: criteria provided, single submitter. Criteria: Athena Diagnostics Criteria. Collection method: clinical testing. Allele origin: germline.
Comment: The variant disrupts a glycine residue in the canonical Gly-X-Y repeats of the triple helix domain, which are required for stability and structure of this protein. Therefore it is expected to severely affect the function of the protein. The best available variant frequency is uninformative because it is below the disease allele frequency.

PreventionGenetics, part of Exact Sciences
Classification: Pathogenic for COL4A4-related condition. Last evaluated: 2024-08-02. Review status: no assertion criteria provided. Collection method: clinical testing. Allele origin: germline. Not counted in ClinVar's aggregate classification.
Comment: The COL4A4 c.1223G>A variant is predicted to result in the amino acid substitution p.Gly408Glu. This variant was reported in the heterozygous state in an individual with glomerulopathy and family history of kidney disease (Table S7 of Groopman et al. 2019. PubMed ID: 30586318). The p.Gly408Glu variant affects a glycine (Gly) residue of the conserved triple helical domain (residues 65 – 1459) of the COL4A4 protein, where substitutions of the glycine (Gly) residue are usually pathogenic (Hudson et al. 1993. PubMed ID: 8253711). In addition, at other glycine (Gly) residues within this domain, substitutions of a glycine (Gly) with a glutamic acid (Glu) have been widely reported to be pathogenic for autosomal recessive or dominant COL4A4 nephropathy (see for example, autosomal recessive Alport syndrome, p.Gly152Glu at Supplementary Table 1 of Morinière et al. 2014. PubMed ID: 24854265; autosomal dominant focal segmental glomerulosclerosis, p.Gly602Glu in Isaranuwatchai et al. 2023. PubMed ID: 36646731). The c.1223G>A (p.Gly408Glu) variant is reported in 0.050% of alleles in individuals of Ashkenazi Jewish descent in gnomAD. This variant is interpreted as pathogenic.

Gharavi Laboratory, Columbia University
Classification: Likely pathogenic. Last evaluated: 2018-09-16. Review status: no assertion criteria provided. Criteria: ACMG Guidelines, 2015. Collection method: research. Allele origin: germline. Affected: yes. Not counted in ClinVar's aggregate classification.

Literature cited by the submitters: PubMed 30586318 (cited by 4 submitters); PubMed 35759000 (cited by Natera, Inc.); PubMed 33854215 (cited by Variantyx, Inc.); PubMed 36161695 (cited by Variantyx, Inc.); PubMed 34993602 (cited by Variantyx, Inc. and Victorian Clinical Genetics Services, Murdoch Childrens Research Institute); PubMed 12028435 (cited by Victorian Clinical Genetics Services, Murdoch Childrens Research Institute); PubMed 16467446 (cited by Victorian Clinical Genetics Services, Murdoch Childrens Research Institute); PubMed 17942953 (cited by Victorian Clinical Genetics Services, Murdoch Childrens Research Institute); PubMed 24046192 (cited by Victorian Clinical Genetics Services, Murdoch Childrens Research Institute); PubMed 28704582 (cited by Victorian Clinical Genetics Services, Murdoch Childrens Research Institute); PubMed 20301386 (cited by Division Of Personalized Genomic Medicine, Columbia University Irving Medical Center).